The following is an entry in ClinVar:

NM_000135.4(FANCA):c.1283T>C (p.Val428Ala)

Gene: FANCA (FA complementation group A; minus strand). Cytogenetic location: 16q24.3.
Variant type: single nucleotide variant.
Coding change: c.1283T>C on transcript NM_000135.4 (MANE Select); coding-DNA position 1283, T replaced by C.
Protein change: p.Val428Ala; replaces valine 428 with alanine.
Molecular consequence: missense variant.
Genome position (GRCh38, 1-based): chr16:89,791,479, A>G on the plus strand (T>C on the coding strand, the complement: FANCA is on the minus strand). VCF-style: chr16-89791479-A-G. GRCh37 (hg19) VCF-style: chr16-89857887-A-G.
Other names: c.1283T>C, p.Val428Ala (NM_001286167.3); short protein forms V428A.
Identifiers: ClinVar variation 2891529 (VCV002891529.4), dbSNP rs2544270703, ClinGen allele CA397464122.

ClinVar aggregate classification (germline): Uncertain significance. Review status: criteria provided, multiple submitters, no conflicts (2 of 4 stars). 2 submissions from 2 submitters: Uncertain significance (2). Last evaluated 2025-05-17.

Conditions:
Fanconi anemia (FA). Also called: Fanconi's anemia. Identifiers: Orphanet 84, MedGen C0015625, MeSH D005199, MONDO:0019391.
Inborn genetic diseases. Identifiers: MedGen C0950123, MeSH D030342.

Allele frequency attached by ClinVar (database versions not stated): gnomAD exomes below 0.00001.

Submissions (2):

Ambry Genetics
Classification: Uncertain significance for Inborn genetic diseases. Last evaluated: 2025-05-17. Review status: criteria provided, single submitter. Criteria: Ambry Variant Classification Scheme 2023. Collection method: clinical testing. Allele origin: germline.
Comment: The p.V428A variant (also known as c.1283T>C), located in coding exon 14 of the FANCA gene, results from a T to C substitution at nucleotide position 1283. The valine at codon 428 is replaced by alanine, an amino acid with similar properties. This amino acid position is conserved. In addition, the in silico prediction for this alteration is inconclusive. Based on the available evidence, the clinical significance of this variant remains unclear.

Labcorp Genetics (formerly Invitae), Labcorp
Classification: Uncertain significance for Fanconi anemia. Last evaluated: 2023-10-20. Review status: criteria provided, single submitter. Criteria: Invitae Variant Classification Sherloc (09022015). Collection method: clinical testing. Allele origin: germline.
Comment: This sequence change replaces valine, which is neutral and non-polar, with alanine, which is neutral and non-polar, at codon 428 of the FANCA protein (p.Val428Ala). This variant is not present in population databases (gnomAD no frequency). This variant has not been reported in the literature in individuals affected with FANCA-related conditions. Advanced modeling of protein sequence and biophysical properties (such as structural, functional, and spatial information, amino acid conservation, physicochemical variation, residue mobility, and thermodynamic stability) performed at Invitae indicates that this missense variant is not expected to disrupt FANCA protein function. In summary, the available evidence is currently insufficient to determine the role of this variant in disease. Therefore, it has been classified as a Variant of Uncertain Significance.